The following is an entry in ClinVar:

ClinVar aggregate classification (germline): Uncertain significance (1 of 4 stars; one submission).

Conditions:
Infantile-onset ascending hereditary spastic paralysis (IAHSP). Also called: Autosomal Recessive Juvenile Amyotrophic Lateral Sclerosis; Infantile-Onset Ascending Hereditary Spastic Paralysis (IAHSP). Identifiers: Orphanet 293168, MedGen C2931441, MONDO:0011797, OMIM 607225. Disease mechanism: loss of function.

Allele frequency attached by ClinVar (database versions not stated): gnomAD 0.00001; TOPMed 0.00001.
gnomAD v4.1: 1 of 1,605,454 alleles (0.000062%); highest among the groups gnomAD compares: Non-Finnish European, 0.000085%; no homozygotes.

Submission:

Labcorp Genetics (formerly Invitae), Labcorp
Classification: Uncertain significance for Infantile-onset ascending hereditary spastic paralysis. Last evaluated: 2021-09-01. Review status: criteria provided, single submitter. Criteria: Invitae Variant Classification Sherloc (09022015). Collection method: clinical testing. Allele origin: germline.
Comment: This sequence change replaces lysine with glutamic acid at codon 1206 of the ALS2 protein (p.Lys1206Glu). The lysine residue is moderately conserved and there is a small physicochemical difference between lysine and glutamic acid. This variant is not present in population databases (ExAC no frequency). This variant has not been reported in the literature in individuals affected with ALS2-related conditions. Algorithms developed to predict the effect of missense changes on protein structure and function are either unavailable or do not agree on the potential impact of this missense change (SIFT: "Tolerated"; PolyPhen-2: "Probably Damaging"; Align-GVGD: "Class C0"). In summary, the available evidence is currently insufficient to determine the role of this variant in disease. Therefore, it has been classified as a Variant of Uncertain Significance.

NM_020919.4(ALS2):c.3616A>G (p.Lys1206Glu)

Gene: ALS2 (alsin Rho guanine nucleotide exchange factor ALS2; minus strand). Cytogenetic location: 2q33.1.
Variant type: single nucleotide variant.
Coding change: c.3616A>G on transcript NM_020919.4 (MANE Select); coding-DNA position 3616, A replaced by G.
Protein change: p.Lys1206Glu; replaces lysine 1206 with glutamic acid.
Molecular consequence: missense variant.
Genome position (GRCh38, 1-based): chr2:201,723,338, T>C on the plus strand (A>G on the coding strand, the complement: ALS2 is on the minus strand). VCF-style: chr2-201723338-T-C. GRCh37 (hg19) VCF-style: chr2-202588061-T-C.
Other names: short protein forms K1206E.
Identifiers: ClinVar variation 1019769 (VCV001019769.6), dbSNP rs1271344719, ClinGen allele CA350319266.